The following is an entry in ClinVar:

ClinVar aggregate classification (germline): Conflicting classifications of pathogenicity. Review status: criteria provided, conflicting classifications (1 of 4 stars). 4 submissions from 4 submitters: Uncertain significance (1); Benign (1); Likely benign (2). Last evaluated 2025-12-30.

Conditions:
NOTCH2-related disorder. Also called: NOTCH2-related condition.
Hajdu-Cheney syndrome (HJCYS). Also called: ACROOSTEOLYSIS WITH OSTEOPOROSIS AND CHANGES IN SKULL AND MANDIBLE; SERPENTINE FIBULA-POLYCYSTIC KIDNEY SYNDROME; Acroosteolysis dominant type. Identifiers: Orphanet 955, MedGen C0917715, MONDO:0007057, OMIM 102500.

Allele frequency attached by ClinVar (database versions not stated): TOPMed 0.00003; gnomAD 0.00005; gnomAD exomes 0.00005; ExAC 0.00008; ESP Exome Variant Server 0.00008.
gnomAD v4.1: 36 of 1,613,468 alleles (0.0022%); highest among the groups gnomAD compares: East Asian, 0.0022%; no homozygotes.

Submissions (4):

PreventionGenetics, part of Exact Sciences
Classification: Likely benign for NOTCH2-related condition. Last evaluated: 2025-12-30. Review status: criteria provided, single submitter. Criteria: ACMG Guidelines, 2015. Collection method: clinical testing. Allele origin: germline.
Comment: This variant is classified as likely benign based on ACMG/AMP sequence variant interpretation guidelines (Richards et al. 2015 PMID: 25741868, with internal and published modifications).

Labcorp Genetics (formerly Invitae), Labcorp
Classification: Benign for Hajdu-Cheney syndrome. Last evaluated: 2025-12-01. Review status: criteria provided, single submitter. Criteria: Invitae Variant Classification Sherloc (09022015). Collection method: clinical testing. Allele origin: germline.

Mayo Clinic Laboratories, Mayo Clinic
Classification: Likely benign. Last evaluated: 2025-08-06. Review status: criteria provided, single submitter. Criteria: ACMG Guidelines, 2015. Collection method: clinical testing. Allele origin: germline. Observed: 1 variant allele.
Comment: BS1, BP4, BP7

Eurofins Ntd Llc (ga)
Classification: Uncertain significance. Last evaluated: 2017-03-09. Review status: criteria provided, single submitter. Criteria: EGL Classification Definitions 2015. Collection method: clinical testing. Allele origin: germline. Observed: 1 variant allele, 1 heterozygote.

NM_024408.4(NOTCH2):c.5480-7C>T

Gene: NOTCH2 (notch receptor 2; minus strand). Cytogenetic location: 1p12.
Variant type: single nucleotide variant.
Coding change: c.5480-7C>T on transcript NM_024408.4 (MANE Select); 7 bases into the intron before coding-DNA position 5480, C replaced by T.
Molecular consequence: intron variant.
Genome position (GRCh38, 1-based): chr1:119,919,620, G>A on the plus strand (C>T on the coding strand, the complement: NOTCH2 is on the minus strand). VCF-style: chr1-119919620-G-A. GRCh37 (hg19) VCF-style: chr1-120462243-G-A.
Other names: p.?; c.5480-7C>T (NM_024408.3).
Identifiers: ClinVar variation 500794 (VCV000500794.12), dbSNP rs368724241, ClinGen allele CA1039615.